The following is an entry in ClinVar:

ClinVar aggregate classification (germline): Pathogenic (1 of 4 stars; one submission).

Conditions:
Hereditary diffuse gastric adenocarcinoma (HDGC). Also called: DIFFUSE GASTRIC AND LOBULAR BREAST CANCER SYNDROME. Identifiers: Orphanet 26106, MedGen C1708349, MONDO:0007648, OMIM 137215.

Submission:

Myriad Genetics, Inc.
Classification: Pathogenic for Hereditary diffuse gastric adenocarcinoma. Last evaluated: 2023-06-08. Review status: criteria provided, single submitter. Criteria: Myriad Autosomal Dominant, Autosomal Recessive and X-Linked Classification Criteria (2023). Collection method: clinical testing. Allele origin: unknown.
Comment: This variant is considered pathogenic. This variant creates a frameshift predicted to result in premature protein truncation.

NM_004360.5(CDH1):c.384dup (p.Gln129fs)

Gene: CDH1 (cadherin 1; plus strand). Cytogenetic location: 16q22.1.
Variant type: Duplication.
Coding change: c.384dup on transcript NM_004360.5 (MANE Select); coding-DNA position 384, one base duplicated (T; older notation c.384dupT).
Protein change: p.Gln129fs; shifts the reading frame from glutamine 129.
Molecular consequence: frameshift variant. On other transcripts: 5 prime UTR variant (2).
Genome position (GRCh38, 1-based): chr16:68,801,890, T duplicated. VCF-style (leftmost placement, unchanged base first): chr16-68801889-A-AT. GRCh37 (hg19) VCF-style: chr16-68835792-A-AT.
Other names: c.384dup, p.Gln129fs (NM_001317184.2); c.-1232dup (NM_001317185.2); c.-1436dup (NM_001317186.2); short protein forms Q129fs.
Identifiers: ClinVar variation 2583764 (VCV002583764.2), dbSNP rs2543905995, ClinGen allele CA2582342560.